The following is an entry in ClinVar:

NM_000426.4(LAMA2):c.779A>G (p.His260Arg)

Gene: LAMA2 (laminin subunit alpha 2; plus strand). Cytogenetic location: 6q22.33.
Variant type: single nucleotide variant.
Coding change: c.779A>G on transcript NM_000426.4 (MANE Select); coding-DNA position 779, A replaced by G.
Protein change: p.His260Arg; replaces histidine 260 with arginine.
Molecular consequence: missense variant.
Genome position (GRCh38, 1-based): chr6:129,144,040, A>G. VCF-style: chr6-129144040-A-G. GRCh37 (hg19) VCF-style: chr6-129465185-A-G.
Other names: c.779A>G, p.His260Arg (NM_001079823.2); short protein forms H260R.
Identifiers: ClinVar variation 1430460 (VCV001430460.3), dbSNP rs752023164, ClinGen allele CA3992422.

ClinVar aggregate classification (germline): Uncertain significance (1 of 4 stars; one submission).

Conditions:
LAMA2-related muscular dystrophy (LAMA2-RD). Also called: Laminin alpha 2-related dystrophy. Identifiers: MedGen C5679788, MONDO:0100228.

Allele frequency attached by ClinVar (database versions not stated): gnomAD exomes below 0.00001; ExAC 0.00001.
gnomAD v4.1: 2 of 1,612,626 alleles (0.00012%); highest among the groups gnomAD compares: Non-Finnish European, 0.00017%; no homozygotes.

Submission:

Labcorp Genetics (formerly Invitae), Labcorp
Classification: Uncertain significance for LAMA2-related muscular dystrophy. Last evaluated: 2021-10-31. Review status: criteria provided, single submitter. Criteria: Invitae Variant Classification Sherloc (09022015). Collection method: clinical testing. Allele origin: germline.
Comment: This sequence change replaces histidine, which is basic and polar, with arginine, which is basic and polar, at codon 260 of the LAMA2 protein (p.His260Arg). This variant is present in population databases (rs752023164, gnomAD 0.0009%). This variant has not been reported in the literature in individuals affected with LAMA2-related conditions. Advanced modeling of protein sequence and biophysical properties (such as structural, functional, and spatial information, amino acid conservation, physicochemical variation, residue mobility, and thermodynamic stability) performed at Invitae indicates that this missense variant is not expected to disrupt LAMA2 protein function. In summary, the available evidence is currently insufficient to determine the role of this variant in disease. Therefore, it has been classified as a Variant of Uncertain Significance.